The following is an entry in ClinVar:

ClinVar aggregate classification (germline): Likely benign (0 of 4 stars; one submission).

Conditions:
PHF7-related disorder. Also called: PHF7-related condition.

Allele frequency attached by ClinVar (database versions not stated): 1000 Genomes Project 0.00040; 1000 Genomes Project 30x 0.00047; TOPMed 0.00082; gnomAD 0.00096; ExAC 0.00105; gnomAD exomes 0.00119; ESP Exome Variant Server 0.00161.
gnomAD v4.1: 1,867 of 1,612,664 alleles (0.12%); highest among the groups gnomAD compares: Non-Finnish European, 0.15%; 3 homozygotes.

Submission:

PreventionGenetics, part of Exact Sciences
Classification: Likely benign for PHF7-related condition. Last evaluated: 2022-05-10. Review status: no assertion criteria provided. Collection method: clinical testing. Allele origin: germline.
Comment: This variant is classified as likely benign based on ACMG/AMP sequence variant interpretation guidelines (Richards et al. 2015 PMID: 25741868, with internal and published modifications).

NM_016483.7(PHF7):c.1123A>C (p.Asn375His)

Gene: PHF7 (PHD finger protein 7; plus strand). Cytogenetic location: 3p21.1.
Variant type: single nucleotide variant.
Coding change: c.1123A>C on transcript NM_016483.7 (MANE Select); coding-DNA position 1123, A replaced by C.
Protein change: p.Asn375His; replaces asparagine 375 with histidine.
Molecular consequence: missense variant.
Genome position (GRCh38, 1-based): chr3:52,423,294, A>C. VCF-style: chr3-52423294-A-C. GRCh37 (hg19) VCF-style: chr3-52457310-A-C.
Other names: c.1006A>C, p.Asn336His (NM_001278221.3); c.1123A>C, p.Asn375His (NM_001321126.2, NM_001321127.2); short protein forms N336H, N375H.
Identifiers: ClinVar variation 3034126 (VCV003034126.2), dbSNP rs149175095, ClinGen allele CA2437625.